The following is an entry in ClinVar:

NM_001378778.1(MPDZ):c.1084C>T (p.Arg362Trp)

Gene: MPDZ (multiple PDZ domain crumbs cell polarity complex component; minus strand). Cytogenetic location: 9p23.
Variant type: single nucleotide variant.
Coding change: c.1084C>T on transcript NM_001378778.1 (MANE Select); coding-DNA position 1084, C replaced by T.
Protein change: p.Arg362Trp; replaces arginine 362 with tryptophan.
Molecular consequence: missense variant.
Genome position (GRCh38, 1-based): chr9:13,219,561, G>A on the plus strand (C>T on the coding strand, the complement: MPDZ is on the minus strand). VCF-style: chr9-13219561-G-A. GRCh37 (hg19) VCF-style: chr9-13219560-G-A.
Other names: c.1084C>T, p.Arg362Trp (NM_001261406.2, NM_001261407.2, NM_001330637.2 and 14 more transcripts); c.1084C>T (NM_003829.3, NM_003829.4); short protein forms R362W.
Identifiers: ClinVar variation 1476356 (VCV001476356.9), dbSNP rs757001915, ClinGen allele CA4987919.

ClinVar aggregate classification (germline): Uncertain significance. Review status: criteria provided, multiple submitters, no conflicts (2 of 4 stars). 3 submissions from 3 submitters: Uncertain significance (3). Last evaluated 2025-09-15.

Conditions:
Inborn genetic diseases. Identifiers: MedGen C0950123, MeSH D030342.

Allele frequency attached by ClinVar (database versions not stated): gnomAD 0.00003 and 0.00004; gnomAD exomes 0.00003 and 0.00009; TOPMed 0.00005; ExAC 0.00009.
gnomAD v4.1: 46 of 1,610,866 alleles (0.0029%); highest among the groups gnomAD compares: Admixed American, 0.044%; no homozygotes.

Submissions (3):

Labcorp Genetics (formerly Invitae), Labcorp
Classification: Uncertain significance. Last evaluated: 2025-09-15. Review status: criteria provided, single submitter. Criteria: Invitae Variant Classification Sherloc (09022015). Collection method: clinical testing. Allele origin: germline.
Comment: This sequence change replaces arginine, which is basic and polar, with tryptophan, which is neutral and slightly polar, at codon 362 of the MPDZ protein (p.Arg362Trp). This variant is present in population databases (rs757001915, gnomAD 0.06%). This variant has not been reported in the literature in individuals affected with MPDZ-related conditions. ClinVar contains an entry for this variant (Variation ID: 1476356). An algorithm developed to predict the effect of missense changes on protein structure and function (PolyPhen-2) suggests that this variant is likely to be disruptive. In summary, the available evidence is currently insufficient to determine the role of this variant in disease. Therefore, it has been classified as a Variant of Uncertain Significance.

GeneDx
Classification: Uncertain significance. Last evaluated: 2022-10-26. Review status: criteria provided, single submitter. Criteria: GeneDx Variant Classification Process June 2021. Collection method: clinical testing. Allele origin: germline. Affected: yes.
Comment: In silico analysis supports that this missense variant does not alter protein structure/function; Has not been previously published as pathogenic or benign to our knowledge

Ambry Genetics
Classification: Uncertain significance for Inborn genetic diseases. Last evaluated: 2021-07-06. Review status: criteria provided, single submitter. Criteria: Ambry Variant Classification Scheme 2023. Collection method: clinical testing. Allele origin: germline.